The following is an entry in ClinVar:

NM_000138.5(FBN1):c.6092A>T (p.Asn2031Ile)

Gene: FBN1 (fibrillin 1; minus strand). Cytogenetic location: 15q21.1.
Variant type: single nucleotide variant.
Coding change: c.6092A>T on transcript NM_000138.5 (MANE Select); coding-DNA position 6092, A replaced by T.
Protein change: p.Asn2031Ile; replaces asparagine 2031 with isoleucine.
Molecular consequence: missense variant.
Genome position (GRCh38, 1-based): chr15:48,441,792, T>A on the plus strand (A>T on the coding strand, the complement: FBN1 is on the minus strand). VCF-style: chr15-48441792-T-A. GRCh37 (hg19) VCF-style: chr15-48733989-T-A.
Other names: c.6092A>T, p.Asn2031Ile (NM_001406716.1); short protein forms N2031I.
Identifiers: ClinVar variation 3600247 (VCV003600247.2).

ClinVar aggregate classification (germline): Uncertain significance. Review status: criteria provided, single submitter (1 of 4 stars). 2 submissions from 2 submitters: Uncertain significance (1). 1 of the submissions does not count toward it. Last evaluated 2026-02-18.

Conditions:
Marfan syndrome (MFS). Also called: MARFAN SYNDROME, TYPE I; Marfan syndrome type 1; Marfan's syndrome; FBN1-Related Marfan Syndrome; Marfan syndrome, classic. Identifiers: Orphanet 284963, Orphanet 558, MedGen C0024796, MONDO:0007947, OMIM 154700.

Submissions (2):

GeneDx
Classification: Uncertain significance. Last evaluated: 2026-02-18. Review status: criteria provided, single submitter. Criteria: GeneDx Variant Classification Process June 2021. Collection method: clinical testing. Allele origin: germline.
Comment: Not observed at significant frequency in large population cohorts (gnomAD); In silico analysis supports that this missense variant has a deleterious effect on protein structure/function; Has not been previously published as pathogenic or benign to our knowledge; This variant is associated with the following publications: (PMID: 20591885)

Department of Laboratory Medicine and Genetics, Samsung Medical Center
Classification: Uncertain significance for Marfan syndrome. Last evaluated: 2025-01-02. Review status: no assertion criteria provided. Collection method: clinical testing. Allele origin: germline. Not counted in ClinVar's aggregate classification.
Comment: The NM_000138.5:c.6092A>T is considered to be rare in the general population database (gnomAD v2.1.1). This variant is predicted to be deleterious by in-silico analysis (REVEL). This variant is located in functional domains. In summary, the available evidence is currently insufficient to evaluate the pathogenicity of this variant, resulting its classification as a variant of uncertain significance (PM1, PP2, PP3, PM2_P).